The following is an entry in ClinVar:

NM_182925.5(FLT4):c.265G>A (p.Ala89Thr)

Gene: FLT4 (fms related receptor tyrosine kinase 4; minus strand). Cytogenetic location: 5q35.3.
Variant type: single nucleotide variant.
Coding change: c.265G>A on transcript NM_182925.5 (MANE Select); coding-DNA position 265, G replaced by A.
Protein change: p.Ala89Thr; replaces alanine 89 with threonine.
Molecular consequence: missense variant.
Genome position (GRCh38, 1-based): chr5:180,630,690, C>T on the plus strand (G>A on the coding strand, the complement: FLT4 is on the minus strand). VCF-style: chr5-180630690-C-T. GRCh37 (hg19) VCF-style: chr5-180057690-C-T.
Other names: c.265G>A, p.Ala89Thr (NM_001354989.2, NM_002020.5); c.265G>A (NM_002020.4); short protein forms A89T.
Identifiers: ClinVar variation 2505672 (VCV002505672.3), dbSNP rs767952525, ClinGen allele CA3607169.
Genomic context (GRCh38, chr5:180,630,690, plus strand): 5'-AGCTGCCTGTGTCGTTGGCATGTACCTCGTGCAGCAGCAACACCTTGCAGTAGGGCCTGG[C>T]GTCTGTGCCCTCGCAGTCTCGCACCACCCCCGTGTCCTCGCTGTCCTTGTCTCCGGTGGC-3'
Protein context (NP_891555.2, residues 79-99): GVVRDCEGTD[Ala89Thr]RPYCKVLLLH

ClinVar aggregate classification (germline): Conflicting classifications of pathogenicity. Review status: criteria provided, conflicting classifications (1 of 4 stars). 2 submissions from 2 submitters: Uncertain significance (1); Likely benign (1). Last evaluated 2024-11-15.

Conditions:
Inborn genetic diseases. Identifiers: MedGen C0950123, MeSH D030342.

Allele frequency attached by ClinVar (database versions not stated): gnomAD 0.00001; TOPMed 0.00002; ExAC 0.00005.
gnomAD v4.1: 36 of 1,612,858 alleles (0.0022%); highest among the groups gnomAD compares: South Asian, 0.023%; 1 homozygote.

Submissions (2):

Ambry Genetics
Classification: Likely benign for Inborn genetic diseases. Last evaluated: 2024-11-15. Review status: criteria provided, single submitter. Criteria: Ambry Variant Classification Scheme 2023. Collection method: clinical testing. Allele origin: germline.

GeneDx
Classification: Uncertain significance. Last evaluated: 2023-11-16. Review status: criteria provided, single submitter. Criteria: GeneDx Variant Classification Process June 2021. Collection method: clinical testing. Allele origin: germline. Affected: yes.
Comment: Has not been previously published as pathogenic or benign to our knowledge; In silico analysis supports that this missense variant does not alter protein structure/function